The following is an entry in ClinVar:

NM_198129.4(LAMA3):c.891G>A (p.Gly297=)

Gene: LAMA3 (laminin subunit alpha 3; plus strand). Cytogenetic location: 18q11.2.
Variant type: single nucleotide variant.
Coding change: c.891G>A on transcript NM_198129.4 (MANE Select); coding-DNA position 891, G replaced by A.
Protein change: p.Gly297=; no amino-acid change (glycine 297 retained).
Molecular consequence: synonymous variant. On other transcripts: non-coding transcript variant (1).
Genome position (GRCh38, 1-based): chr18:23,753,756, G>A. VCF-style: chr18-23753756-G-A. GRCh37 (hg19) VCF-style: chr18-21333720-G-A.
Other names: c.891G>A, p.Gly297= (NM_001127717.4, NM_001302996.2).
Identifiers: ClinVar variation 782043 (VCV000782043.34), dbSNP rs62093355, ClinGen allele CA8914394.

ClinVar aggregate classification (germline): Benign/Likely benign. Review status: criteria provided, multiple submitters, no conflicts (2 of 4 stars). 4 submissions from 4 submitters: Benign (2); Likely benign (2). Last evaluated 2024-11-08.

Conditions:
LAMA3-related disorder. Also called: LAMA3-related disorders; LAMA3-related condition.

Allele frequency attached by ClinVar (database versions not stated): 1000 Genomes Project 30x 0.00031; 1000 Genomes Project 0.00040; gnomAD exomes 0.00342 and 0.00245; TOPMed 0.00218; gnomAD 0.00223 and 0.00222; ESP Exome Variant Server 0.00227; ExAC 0.00244.
gnomAD v4.1: 5,311 of 1,613,872 alleles (0.33%); highest among the groups gnomAD compares: Middle Eastern, 0.83%; 20 homozygotes.

Submissions (4):

PreventionGenetics, part of Exact Sciences
Classification: Likely benign for LAMA3-related condition. Last evaluated: 2024-11-08. Review status: criteria provided, single submitter. Criteria: ACMG Guidelines, 2015. Collection method: clinical testing. Allele origin: germline.
Comment: This variant is classified as likely benign based on ACMG/AMP sequence variant interpretation guidelines (Richards et al. 2015 PMID: 25741868, with internal and published modifications).

Labcorp Genetics (formerly Invitae), Labcorp
Classification: Benign. Last evaluated: 2023-10-11. Review status: criteria provided, single submitter. Criteria: Invitae Variant Classification Sherloc (09022015). Collection method: clinical testing. Allele origin: germline.

CeGaT Center for Human Genetics Tuebingen
Classification: Likely benign. Last evaluated: 2022-08-01. Review status: criteria provided, single submitter. Criteria: CeGaT Center For Human Genetics Tuebingen Variant Classification Criteria Version 2. Collection method: clinical testing. Allele origin: germline. Affected: yes. Observed: 1 variant allele.
Comment: LAMA3: BP4, BP7

Breakthrough Genomics
Classification: Benign. Review status: criteria provided, single submitter. Criteria: ACMG Guidelines, 2015. Collection method: not provided. Allele origin: germline. Inheritance: Autosomal recessive inheritance. Affected: yes.